The following is an entry in ClinVar:

NC_012920.1(MT-ND2):m.4596G>A

Gene: MT-ND2 (mitochondrially encoded NADH dehydrogenase 2; plus strand).
Variant type: single nucleotide variant.
Genome position: chrM-4596-G-A.
Identifiers: ClinVar variation 692465 (VCV000692465.1), dbSNP rs1117207, ClinGen allele CA337096915.
Genomic context (GRCh38, chrMT:4,596, plus strand): 5'-AGCTCGCACTGATTTTTTACCTGAGTAGGCCTAGAAATAAACATGCTAGCTTTTATTCCA[G>A]TTCTAACCAAAAAAATAAACCCTCGTTCCACAGAAGCTGCCATCAAGTATTTCCTCACGC-3'

ClinVar aggregate classification (germline): Benign (1 of 4 stars; one submission).

Conditions:
Leigh syndrome (NULS). Also called: Leigh's necrotizing encephalopathy; Leigh's disease; Leigh Syndrome (mtDNA deletion); Leigh Disease; Subacute necrotizing encephalopathy; Necrotizing encephalopathy infantile subacute of Leigh. Identifiers: Orphanet 506, MedGen C2931891, MONDO:0009723, OMIM 256000.

Submission:

Wong Mito Lab, Molecular and Human Genetics, Baylor College of Medicine
Classification: Benign for Leigh syndrome. Last evaluated: 2019-10-17. Review status: criteria provided, single submitter. Criteria: Modified ACMG Guidelines (Unpublished). Collection method: clinical testing. Allele origin: germline.
Comment: The NC_012920.1:m.4596G>A (YP_003024027.1:p.Val43Ile) variant in MTND2 gene is interpretated to be a Benign variant based on the modified ACMG guidelines (unpublished). This variant meets the following evidence codes: BS1, BS2, BP4